The following is an entry in ClinVar:

NM_004304.5(ALK):c.4200A>T (p.Glu1400Asp)

Gene: ALK (ALK receptor tyrosine kinase; minus strand). Cytogenetic location: 2p23.2.
Variant type: single nucleotide variant.
Coding change: c.4200A>T on transcript NM_004304.5 (MANE Select); coding-DNA position 4200, A replaced by T.
Protein change: p.Glu1400Asp; replaces glutamic acid 1400 with aspartic acid.
Molecular consequence: missense variant.
Genome position (GRCh38, 1-based): chr2:29,193,887, T>A on the plus strand (A>T on the coding strand, the complement: ALK is on the minus strand). VCF-style: chr2-29193887-T-A. GRCh37 (hg19) VCF-style: chr2-29416753-T-A.
Other names: c.996A>T, p.Glu332Asp (NM_001353765.2); short protein forms E1400D, E332D.
Identifiers: ClinVar variation 1525214 (VCV001525214.6), dbSNP rs143647372, ClinGen allele CA346463350.

ClinVar aggregate classification (germline): Uncertain significance (1 of 4 stars; one submission).

Conditions:
Neuroblastoma, susceptibility to, 3. Also called: ALK-Related Neuroblastic Tumor Susceptibility. Identifiers: Orphanet 635, MedGen C2751681, MONDO:0013083, OMIM 613014.

Submission:

Labcorp Genetics (formerly Invitae), Labcorp
Classification: Uncertain significance for Neuroblastoma, susceptibility to, 3. Last evaluated: 2021-10-28. Review status: criteria provided, single submitter. Criteria: Invitae Variant Classification Sherloc (09022015). Collection method: clinical testing. Allele origin: germline.
Comment: In summary, the available evidence is currently insufficient to determine the role of this variant in disease. Therefore, it has been classified as a Variant of Uncertain Significance. Algorithms developed to predict the effect of missense changes on protein structure and function are either unavailable or do not agree on the potential impact of this missense change (SIFT: "Deleterious"; PolyPhen-2: "Probably Damaging"; Align-GVGD: "Class C0"). This variant has not been reported in the literature in individuals affected with ALK-related conditions. This variant is not present in population databases (gnomAD no frequency). This sequence change replaces glutamic acid, which is acidic and polar, with aspartic acid, which is acidic and polar, at codon 1400 of the ALK protein (p.Glu1400Asp).